The following is an entry in ClinVar:

ClinVar aggregate classification (germline): Pathogenic/Likely pathogenic. Review status: criteria provided, multiple submitters, no conflicts (2 of 4 stars). 2 submissions from 2 submitters: Pathogenic (1); Likely pathogenic (1). Last evaluated 2025-05-19.

Conditions:
Combined immunodeficiency due to partial RAG1 deficiency. Identifiers: Orphanet 231154, MedGen C1835931, MONDO:0012359, OMIM 609889.
Severe combined immunodeficiency, autosomal recessive, T cell-negative, B cell-negative, NK cell-positive. Also called: SCID, T CELL-NEGATIVE, B CELL-NEGATIVE, NK CELL-POSITIVE; Severe combined immunodeficiency due to complete RAG1/2 deficiency; SCID, AR, T-cell negative, B-cell negative, NK cell-positive. Identifiers: Orphanet 331206, MedGen C1832322, MONDO:0011086, OMIM 601457.
Combined immunodeficiency with skin granulomas. Identifiers: Orphanet 157949, MedGen C2673536, MONDO:0009306, OMIM 233650.

Allele frequency attached by ClinVar (database versions not stated): gnomAD exomes below 0.00001.

Submissions (2):

Labcorp Genetics (formerly Invitae), Labcorp
Classification: Pathogenic for Combined immunodeficiency with skin granulomas; Severe combined immunodeficiency, autosomal recessive, T cell-negative, B cell-negative, NK cell-positive. Last evaluated: 2025-05-19. Review status: criteria provided, single submitter. Criteria: Invitae Variant Classification Sherloc (09022015). Collection method: clinical testing. Allele origin: germline.
Comment: This sequence change creates a premature translational stop signal (p.Trp180*) in the RAG1 gene. While this is not anticipated to result in nonsense mediated decay, it is expected to disrupt the last 864 amino acid(s) of the RAG1 protein. This variant is not present in population databases (gnomAD no frequency). This variant has not been reported in the literature in individuals affected with RAG1-related conditions. ClinVar contains an entry for this variant (Variation ID: 1997718). This variant disrupts a region of the RAG1 protein in which other variant(s) (p.Lys992Glu) have been determined to be pathogenic (PMID: 11313270, 18442948, 24290284). This suggests that this is a clinically significant region of the protein, and that variants that disrupt it are likely to be disease-causing. For these reasons, this variant has been classified as Pathogenic.

Baylor Genetics
Classification: Likely pathogenic for Combined immunodeficiency due to partial RAG1 deficiency. Last evaluated: 2023-03-05. Review status: criteria provided, single submitter. Criteria: ACMG Guidelines, 2015. Collection method: clinical testing. Allele origin: unknown.

Literature cited by the submitters: PubMed 11313270 (cited by Labcorp Genetics (formerly Invitae), Labcorp); PubMed 18442948 (cited by Labcorp Genetics (formerly Invitae), Labcorp); PubMed 24290284 (cited by Labcorp Genetics (formerly Invitae), Labcorp).

NM_000448.3(RAG1):c.539G>A (p.Trp180Ter)

Gene: RAG1 (recombination activating 1; plus strand). Cytogenetic location: 11p12.
Variant type: single nucleotide variant.
Coding change: c.539G>A on transcript NM_000448.3 (MANE Select); coding-DNA position 539, G replaced by A.
Protein change: p.Trp180Ter; replaces tryptophan 180 with a stop codon.
Molecular consequence: nonsense.
Genome position (GRCh38, 1-based): chr11:36,573,843, G>A. VCF-style: chr11-36573843-G-A. GRCh37 (hg19) VCF-style: chr11-36595393-G-A.
Other names: c.539G>A, p.Trp180Ter (NM_001377277.1, NM_001377278.1, NM_001377279.1 and 1 more transcripts); short protein forms W180*.
Identifiers: ClinVar variation 1997718 (VCV001997718.5), dbSNP rs2494752082, ClinGen allele CA380146774.